The following is an entry in ClinVar:

NM_002528.7(NTHL1):c.565del (p.Gln189fs)

Gene: NTHL1 (nth like DNA glycosylase 1; minus strand). Cytogenetic location: 16p13.3.
Variant type: Deletion.
Coding change: c.565del on transcript NM_002528.7 (MANE Select); coding-DNA position 565, one base deleted (C; older notation c.565delC).
Protein change: p.Gln189fs; shifts the reading frame from glutamine 189.
Molecular consequence: frameshift variant.
Genome position (GRCh38, 1-based): chr16:2,043,687, G deleted on the plus strand (C on the coding strand, the reverse complement: NTHL1 is on the minus strand). VCF-style (leftmost placement, unchanged base first): chr16-2043686-TG-T. GRCh37 (hg19) VCF-style: chr16-2093687-TG-T.
Other names: c.394del, p.Gln132fs (NM_001318193.2); c.235del, p.Gln79fs (NM_001318194.2); short protein forms Q132fs, Q189fs, Q79fs.
Identifiers: ClinVar variation 2747024 (VCV002747024.4), dbSNP rs2548315183, ClinGen allele CA2697549542.
Genomic context (GRCh38, chr16:2,043,686, plus strand): 5'-ACACCCGGCAGCGCCACCAGCTCGGCCACAGAGGCTGGGATGTCCCCACCGTAGTGCTGC[TG>T]CAGGATGGCGCTGGTCTGCTTGATGTATTTCACCTTGCTCTGAAAGACAGGGGTGGGTTC-3'

ClinVar aggregate classification (germline): Pathogenic. Review status: criteria provided, multiple submitters, no conflicts (2 of 4 stars). 2 submissions from 2 submitters: Pathogenic (2). Last evaluated 2024-03-21.

Conditions:
Familial adenomatous polyposis 3. Also called: NTHL1 Tumor Syndrome; NTHL1-associated polyposis; NTHL1-related attenuated familial adenomatous polyposis; NTHL1-Related Adenomatous Polyposis and Colorectal Cancer. Identifiers: Orphanet 220460, Orphanet 454840, MedGen C4225157, MONDO:0014630, OMIM 616415.

Submissions (2):

St. Jude Molecular Pathology, St. Jude Children's Research Hospital
Classification: Pathogenic for Familial adenomatous polyposis 3. Last evaluated: 2024-03-21. Review status: criteria provided, single submitter. Criteria: St. Jude Assertion Criteria 2020. Collection method: clinical testing. Allele origin: germline.
Comment: The NTHL1 c.565del (p.Gln189SerfsTer53) change deletes one nucleotide to cause a frameshift and the creation of a premature stop codon. This change is predicted to cause protein truncation or absence of protein due to nonsense-mediated decay. This variant is also absent in gnomAD v2.1.1. In summary, this variant meets criteria to be classified as pathogenic.

Labcorp Genetics (formerly Invitae), Labcorp
Classification: Pathogenic. Last evaluated: 2023-07-26. Review status: criteria provided, single submitter. Criteria: Invitae Variant Classification Sherloc (09022015). Collection method: clinical testing. Allele origin: germline.
Comment: For these reasons, this variant has been classified as Pathogenic. This variant has not been reported in the literature in individuals affected with NTHL1-related conditions. This variant is not present in population databases (gnomAD no frequency). This sequence change creates a premature translational stop signal (p.Gln197Serfs*53) in the NTHL1 gene. It is expected to result in an absent or disrupted protein product. Loss-of-function variants in NTHL1 are known to be pathogenic (PMID: 25938944, 26559593).

Literature cited by the submitters: PubMed 25938944 (cited by Labcorp Genetics (formerly Invitae), Labcorp); PubMed 26559593 (cited by Labcorp Genetics (formerly Invitae), Labcorp).